The following is an entry in ClinVar:

ClinVar aggregate classification (germline): Uncertain significance (1 of 4 stars; one submission).

Conditions:
Li-Ghorbani-Weisz-Hubshman syndrome. Identifiers: MedGen C5436525, MONDO:0033547, OMIM 618974.

Submission:

Neuberg Centre For Genomic Medicine, NCGM
Classification: Uncertain significance for Li-Ghorbani-Weisz-Hubshman syndrome. Review status: criteria provided, single submitter. Criteria: ACMG Guidelines, 2015. Collection method: clinical testing. Allele origin: germline. Inheritance: Autosomal dominant inheritance. Affected: yes.
Comment: The missense c.1284T>G p.Ser428Arg variant in KAT8 gene has not been reported previously as a pathogenic variant nor as a benign variant, to our knowledge. The p.Ser428Arg variant is novel not in any individuals in gnomAD Exomes and 1000 Genomes. This variant has not been reported to the ClinVar database. The amino acid change p.Ser428Arg in KAT8 is predicted as conserved by GERP++. The amino acid Ser at position 428 is changed to a Arg changing protein sequence and it might alter its composition and physico-chemical properties. For these reasons, this variant has been classified as Variant of Uncertain Significance VUS.

NM_032188.3(KAT8):c.1284T>G (p.Ser428Arg)

Gene: KAT8 (lysine acetyltransferase 8; plus strand). Cytogenetic location: 16p11.2.
Variant type: single nucleotide variant.
Coding change: c.1284T>G on transcript NM_032188.3 (MANE Select); coding-DNA position 1284, T replaced by G.
Protein change: p.Ser428Arg; replaces serine 428 with arginine.
Molecular consequence: missense variant.
Genome position (GRCh38, 1-based): chr16:31,130,872, T>G. VCF-style: chr16-31130872-T-G. GRCh37 (hg19) VCF-style: chr16-31142193-T-G.
Other names: c.1284T>G, p.Ser428Arg (NM_182958.4); short protein forms S428R.
Identifiers: ClinVar variation 3236405 (VCV003236405.2), dbSNP rs2544179460, ClinGen allele CA395679756.